The following is an entry in ClinVar:

NC_000013.11:g.52011554T>C

Gene: ATP7B (ATPase copper transporting beta; minus strand). Cytogenetic location: 13q14.3.
Variant type: single nucleotide variant.
Molecular consequence: 5 prime UTR variant (on NM_001406528.1). On other transcripts: intron variant (11).
Genome position: GRCh38 VCF-style: chr13-52011554-T-C. GRCh37 (hg19) VCF-style: chr13-52585690-T-C.
Other names: c.-217A>G (NM_001406528.1, NM_001406532.1); c.-54-163A>G (NM_001406541.1, NM_001406531.1, NM_001406527.1 and 4 more transcripts); c.-183-163A>G (NM_001406543.1); c.-55+103A>G (NM_001406522.1, NM_001406516.1, NM_001406512.1).
Identifiers: ClinVar variation 3054673 (VCV003054673.2), dbSNP rs907188557, ClinGen allele CA250092135.
Genomic context (GRCh38, chr13:52,011,554, plus strand): 5'-ACCGCCCCTTCATTTGGGACCGGGGAAGCCGCAGCCCTCTTCACACGGATGATTCAAAGT[T>C]GCGCGCCGCCGTCCTCCCGACCTGGGGGCACGGGGATGAGAGCGTGAGGGGAGAGTGGGC-3'

ClinVar aggregate classification (germline): Likely benign (0 of 4 stars; one submission).

Conditions:
ATP7B-related disorder. Also called: ATP7B-related condition.

Allele frequency attached by ClinVar (database versions not stated): TOPMed 0.00005; gnomAD 0.00003.
gnomAD v4.1: 24 of 644,056 alleles (0.0037%); highest among the groups gnomAD compares: Admixed American, 0.053%; no homozygotes.

Submission:

PreventionGenetics, part of Exact Sciences
Classification: Likely benign for ATP7B-related condition. Last evaluated: 2022-04-04. Review status: no assertion criteria provided. Collection method: clinical testing. Allele origin: germline.
Comment: This variant is classified as likely benign based on ACMG/AMP sequence variant interpretation guidelines (Richards et al. 2015 PMID: 25741868, with internal and published modifications).